The following is an entry in ClinVar:

ClinVar aggregate classification (germline): Uncertain significance (1 of 4 stars; one submission).

Allele frequency attached by ClinVar (database versions not stated): ExAC 0.00010.
gnomAD v4.1: 51 of 1,543,180 alleles (0.0033%); highest among the groups gnomAD compares: South Asian, 0.057%; 1 homozygote.

Submission:

Labcorp Genetics (formerly Invitae), Labcorp
Classification: Uncertain significance. Last evaluated: 2022-06-01. Review status: criteria provided, single submitter. Criteria: Invitae Variant Classification Sherloc (09022015). Collection method: clinical testing. Allele origin: germline.
Comment: In summary, the available evidence is currently insufficient to determine the role of this variant in disease. Therefore, it has been classified as a Variant of Uncertain Significance. Algorithms developed to predict the effect of missense changes on protein structure and function output the following: SIFT: "Tolerated"; PolyPhen-2: "Benign"; Align-GVGD: "Class C0". The phenylalanine amino acid residue is found in multiple mammalian species, which suggests that this missense change does not adversely affect protein function. This variant has not been reported in the literature in individuals affected with CDK5RAP2-related conditions. This variant is present in population databases (rs762210831, gnomAD 0.06%). This sequence change replaces leucine, which is neutral and non-polar, with phenylalanine, which is neutral and non-polar, at codon 625 of the CDK5RAP2 protein (p.Leu625Phe).

NM_018249.6(CDK5RAP2):c.1873C>T (p.Leu625Phe)

Gene: CDK5RAP2 (CDK5 regulatory subunit associated protein 2; minus strand). Cytogenetic location: 9q33.2.
Variant type: single nucleotide variant.
Coding change: c.1873C>T on transcript NM_018249.6 (MANE Select); coding-DNA position 1873, C replaced by T.
Protein change: p.Leu625Phe; replaces leucine 625 with phenylalanine.
Molecular consequence: missense variant. On other transcripts: non-coding transcript variant (5).
Genome position (GRCh38, 1-based): chr9:120,470,206, G>A on the plus strand (C>T on the coding strand, the complement: CDK5RAP2 is on the minus strand). VCF-style: chr9-120470206-G-A. GRCh37 (hg19) VCF-style: chr9-123232484-G-A.
Other names: c.1873C>T, p.Leu625Phe (NM_001011649.3, NM_001410993.1); c.1870C>T, p.Leu624Phe (NM_001272039.2, NM_001410992.1, NM_001410994.1); short protein forms L625F, L624F.
Identifiers: ClinVar variation 2181459 (VCV002181459.4), dbSNP rs762210831, ClinGen allele CA5214232.